The following is an entry in ClinVar:

ClinVar aggregate classification (germline): Pathogenic (1 of 4 stars; one submission).

Submission:

Labcorp Genetics (formerly Invitae), Labcorp
Classification: Pathogenic. Last evaluated: 2024-01-03. Review status: criteria provided, single submitter. Criteria: Invitae Variant Classification Sherloc (09022015). Collection method: clinical testing. Allele origin: germline.
Comment: This sequence change creates a premature translational stop signal (p.Arg150Profs*30) in the GDF5 gene. It is expected to result in an absent or disrupted protein product. Loss-of-function variants in GDF5 are known to be pathogenic (PMID: 8589725, 9288091, 12121354, 12357473, 27577507). This variant is not present in population databases (gnomAD no frequency). This variant has not been reported in the literature in individuals affected with GDF5-related conditions. For these reasons, this variant has been classified as Pathogenic.

Literature cited by the submitters: PubMed 8589725; PubMed 9288091; PubMed 12121354; PubMed 12357473; PubMed 27577507.

NM_000557.5(GDF5):c.448_461del (p.Arg150fs)

Gene: GDF5 (growth differentiation factor 5; minus strand). Cytogenetic location: 20q11.22.
Variant type: Deletion.
Coding change: c.448_461del on transcript NM_000557.5 (MANE Select); coding-DNA positions 448 to 461, 14 bases deleted (AGGGAGCCCGGGCC).
Protein change: p.Arg150fs; shifts the reading frame from arginine 150.
Molecular consequence: frameshift variant.
Genome position (GRCh38, 1-based): chr20:35,437,468-35,437,481, GGCCCGGGCTCCCT deleted on the plus strand (AGGGAGCCCGGGCC on the coding strand, the reverse complement: GDF5 is on the minus strand); deleting any 14 consecutive bases within chr20:35,437,468-35,437,485 gives the same sequence; the c. name uses the placement nearest the transcript's 3' end. VCF-style (leftmost placement, unchanged base first): chr20-35437467-GGGCCCGGGCTCCCT-G. GRCh37 (hg19) VCF-style: chr20-34025247-GGGCCCGGGCTCCCT-G.
Other names: c.448_461del, p.Arg150fs (NM_001319138.2); short protein forms R150fs.
Identifiers: ClinVar variation 2707254 (VCV002707254.3), dbSNP rs2515426073, ClinGen allele CA2697547370.